The following is an entry in ClinVar:

NM_003620.4(PPM1D):c.1466C>G (p.Ser489Cys)

Gene: PPM1D (protein phosphatase, Mg2+/Mn2+ dependent 1D; plus strand). Cytogenetic location: 17q23.2.
Variant type: single nucleotide variant.
Coding change: c.1466C>G on transcript NM_003620.4 (MANE Select); coding-DNA position 1466, C replaced by G.
Protein change: p.Ser489Cys; replaces serine 489 with cysteine.
Molecular consequence: missense variant.
Genome position (GRCh38, 1-based): chr17:60,663,200, C>G. VCF-style: chr17-60663200-C-G. GRCh37 (hg19) VCF-style: chr17-58740561-C-G.
Other names: short protein forms S489C.
Identifiers: ClinVar variation 2078402 (VCV002078402.4), dbSNP rs374024218, ClinGen allele CA292212255.
Genomic context (GRCh38, chr17:60,663,200, plus strand): 5'-AAGATCCAGAACCACTTGAAGAAAATTGCGCTAAAGCCCTGACTTTAAGGATACATGATT[C>G]TTTGAATAATAGCCTTCCAATTGGCCTTGTGCCTACTAATTCAACAAACACTGTCATGGA-3'
Protein context (NP_003611.1, residues 479-499): AKALTLRIHD[Ser489Cys]LNNSLPIGLV

ClinVar aggregate classification (germline): Uncertain significance (1 of 4 stars; one submission).

Allele frequency attached by ClinVar (database versions not stated): TOPMed below 0.00001; gnomAD exomes below 0.00001.
gnomAD v4.1: 6 of 1,614,130 alleles (0.00037%); highest among the groups gnomAD compares: Non-Finnish European, 0.00051%; no homozygotes.

Submission:

Labcorp Genetics (formerly Invitae), Labcorp
Classification: Uncertain significance. Last evaluated: 2022-10-01. Review status: criteria provided, single submitter. Criteria: Invitae Variant Classification Sherloc (09022015). Collection method: clinical testing. Allele origin: germline.
Comment: In summary, the available evidence is currently insufficient to determine the role of this variant in disease. Therefore, it has been classified as a Variant of Uncertain Significance. Algorithms developed to predict the effect of missense changes on protein structure and function are either unavailable or do not agree on the potential impact of this missense change (SIFT: "Deleterious"; PolyPhen-2: "Possibly Damaging"; Align-GVGD: "Class C0"). This variant has not been reported in the literature in individuals affected with PPM1D-related conditions. This variant is not present in population databases (gnomAD no frequency). This sequence change replaces serine, which is neutral and polar, with cysteine, which is neutral and slightly polar, at codon 489 of the PPM1D protein (p.Ser489Cys).